The following is an entry in ClinVar:

NM_002693.3(POLG):c.2599C>G (p.Pro867Ala)

Gene: POLG (DNA polymerase gamma, catalytic subunit; minus strand). Cytogenetic location: 15q26.1.
Variant type: single nucleotide variant.
Coding change: c.2599C>G on transcript NM_002693.3 (MANE Select); coding-DNA position 2599, C replaced by G.
Protein change: p.Pro867Ala; replaces proline 867 with alanine.
Molecular consequence: missense variant.
Genome position (GRCh38, 1-based): chr15:89,321,260, G>C on the plus strand (C>G on the coding strand, the complement: POLG is on the minus strand). VCF-style: chr15-89321260-G-C. GRCh37 (hg19) VCF-style: chr15-89864491-G-C.
Other names: c.2599C>G (NM_002693.2); c.2599C>G, p.Pro867Ala (NM_001126131.2); short protein forms P867A.
Identifiers: ClinVar variation 1335187 (VCV001335187.40), dbSNP rs1230595198, ClinGen allele CA393754014.
Genomic context (GRCh38, chr15:89,321,260, plus strand): 5'-CAAGGGTGTAGCCAGGTGGGGCCTGCACCATGGCTTTCAACTCACTGCCTACTCGGTCAG[G>C]CTGTGGGAAGAGTGAGATACCCAAATGAGACTCTTCCTACCCCATTCCTGGAGCCAGAGT-3'
Protein context (NP_002684.1, residues 857-877): PTWLTASNAR[Pro867Ala]DRVGSELKAM

ClinVar aggregate classification (germline): Uncertain significance. Review status: criteria provided, multiple submitters, no conflicts (2 of 4 stars). 4 submissions from 4 submitters: Uncertain significance (4). Last evaluated 2026-06-01.

Conditions:
Progressive sclerosing poliodystrophy (MTDPS4A). Also called: NEURONAL DEGENERATION OF CHILDHOOD WITH LIVER DISEASE, PROGRESSIVE; Alpers Syndrome; ALPERS DIFFUSE DEGENERATION OF CEREBRAL GRAY MATTER WITH HEPATIC CIRRHOSIS; Mitochondrial DNA Depletion Syndrome 4A; ALPERS PROGRESSIVE INFANTILE POLIODYSTROPHY; Alpers-Huttenlocher Syndrome (AHS). Identifiers: Orphanet 726, MedGen C0205710, MONDO:0008758, OMIM 203700.

Allele frequency attached by ClinVar (database versions not stated): gnomAD 0.00001; gnomAD exomes 0.00001.
gnomAD v4.1: 8 of 1,613,928 alleles (0.0005%); highest among the groups gnomAD compares: African/African-American, 0.0013%; no homozygotes.

Submissions (4):

CeGaT Center for Human Genetics Tuebingen
Classification: Uncertain significance. Last evaluated: 2026-06-01. Review status: criteria provided, single submitter. Criteria: CeGaT Center For Human Genetics Tuebingen Variant Classification Criteria Version 2. Collection method: clinical testing. Allele origin: germline. Affected: yes. Observed: 2 variant alleles.
Comment: POLG: PM2

Women's Health and Genetics/Laboratory Corporation of America, LabCorp
Classification: Uncertain significance. Last evaluated: 2024-08-30. Review status: criteria provided, single submitter. Criteria: LabCorp Variant Classification Summary - May 2015. Collection method: clinical testing. Allele origin: germline.
Comment: Variant summary: POLG c.2599C>G (p.Pro867Ala) results in a non-conservative amino acid change in the encoded protein sequence. Three of five in-silico tools predict a damaging effect of the variant on protein function. Consensus agreement among computation tools predict no significant impact on normal splicing. However, these predictions have yet to be confirmed by functional studies. The variant allele was found at a frequency of 8e-06 in 250384 control chromosomes (gnomAD). The available data on variant occurrences in the general population are insufficient to allow any conclusion about variant significance. To our knowledge, no occurrence of c.2599C>G in individuals affected with POLG-Related Spectrum Disorders and no experimental evidence demonstrating its impact on protein function have been reported. ClinVar contains an entry for this variant (Variation ID: 1335187). Based on the evidence outlined above, the variant was classified as uncertain significance.

Athena Diagnostics
Classification: Uncertain significance. Last evaluated: 2024-06-25. Review status: criteria provided, single submitter. Criteria: Athena Diagnostics Criteria. Collection method: clinical testing. Allele origin: unknown.
Comment: Available data are insufficient to determine the clinical significance of the variant at this time. The frequency of this variant in the general population is uninformative in assessment of its pathogenicity. Polyphen and MutationTaster predict this amino acid change may be benign.

Labcorp Genetics (formerly Invitae), Labcorp
Classification: Uncertain significance for Progressive sclerosing poliodystrophy. Last evaluated: 2023-03-02. Review status: criteria provided, single submitter. Criteria: Invitae Variant Classification Sherloc (09022015). Collection method: clinical testing. Allele origin: germline.
Comment: An algorithm developed to predict the effect of missense changes on protein structure and function (PolyPhen-2) suggests that this variant is likely to be tolerated. ClinVar contains an entry for this variant (Variation ID: 1335187). This variant has not been reported in the literature in individuals affected with POLG-related conditions. This variant is present in population databases (no rsID available, gnomAD 0.002%). This sequence change replaces proline, which is neutral and non-polar, with alanine, which is neutral and non-polar, at codon 867 of the POLG protein (p.Pro867Ala). In summary, the available evidence is currently insufficient to determine the role of this variant in disease. Therefore, it has been classified as a Variant of Uncertain Significance.